The following is an entry in ClinVar:

NM_000277.3(PAH):c.1068C>A (p.Tyr356Ter)

Gene: PAH (phenylalanine hydroxylase; minus strand). Cytogenetic location: 12q23.2.
Variant type: single nucleotide variant.
Coding change: c.1068C>A on transcript NM_000277.3 (MANE Select); coding-DNA position 1068, C replaced by A.
Protein change: p.Tyr356Ter; replaces tyrosine 356 with a stop codon.
Molecular consequence: nonsense.
Genome position (GRCh38, 1-based): chr12:102,843,777, G>T on the plus strand (C>A on the coding strand, the complement: PAH is on the minus strand). VCF-style: chr12-102843777-G-T. GRCh37 (hg19) VCF-style: chr12-103237555-G-T.
Other names: NM_000277.2(PAH):c.1068C>A; c.1068C>A, p.Tyr356Ter (NM_001354304.2); c.1068C>A (NM_000277.2); short protein forms Y356*.
Identifiers: ClinVar variation 92729 (VCV000092729.28), dbSNP rs62516095, ClinGen allele CA273107.

ClinVar aggregate classification (germline): Pathogenic. Review status: reviewed by expert panel (3 of 4 stars). 11 submissions from 11 submitters: Pathogenic (1). 10 of the submissions do not count toward it. Last evaluated 2018-08-13.

Conditions:
Phenylketonuria (PKU). Also called: FOLLING DISEASE; Phenylketonuria (PKU); OLIGOPHRENIA PHENYLPYRUVICA; Phenylketonurias. Identifiers: Orphanet 716, MedGen C0031485, MONDO:0009861, OMIM 261600. Disease mechanism: loss of function.

Allele frequency attached by ClinVar (database versions not stated): TOPMed 0.00001.
gnomAD v4.1: 5 of 1,613,624 alleles (0.00031%); highest among the groups gnomAD compares: East Asian, 0.011%; no homozygotes.

Submissions (11):

ClinGen PAH Variant Curation Expert Panel
Classification: Pathogenic for Phenylketonuria. Last evaluated: 2018-08-13. Review status: reviewed by expert panel. Criteria: ClinGen PAH ACMG Specifications v1. Collection method: curation. Allele origin: germline. Inheritance: Autosomal recessive inheritance.
Comment: PAH-specific ACMG/AMP criteria applied: PVS1: Nonsense variant; PM2: gnomAD MAF 0.00017; PP4_Moderate: Detected in PKU patients (PMID:25894915); PM3_Strong: in trans with p.W326X (Pathogenic), and IVS4-1G>A (Pathogenic). (PMID:25894915). In summary this variant meets criteria to be classified as pathogenic for phenylketonuria in an autosomal recessive manner based on the ACMG/AMP criteria applied as specified by the PAH Expert Panel: (PVS1, PM2, PP4_Moderate, PM3_Strong).

3billion
Classification: Pathogenic for Phenylketonuria. Last evaluated: 2025-08-06. Review status: criteria provided, single submitter. Criteria: ACMG Guidelines, 2015. Collection method: clinical testing. Allele origin: germline. Affected: yes. Not counted in ClinVar's aggregate classification.
Comment: The variant is observed at an extremely low frequency in the gnomAD v4.1.0 dataset (total allele frequency: <0.001%). Predicted Consequence/Location: Stop-gained (nonsense): predicted to result in a loss or disruption of normal protein function through nonsense-mediated decay (NMD) or protein truncation. Multiple pathogenic variants are reported downstream of the variant. The variant has been reported to be in trans with a pathogenic variant as either compound heterozygous or homozygous in at least 2 similarly affected unrelated individuals (PMID: 25894915). The variant has been reported multiple times as an established pathogenic variant (ClinVar ID: VCV000092729 /PMID: 7915167). Therefore, this variant is classified as Pathogenic according to the recommendation of ACMG/AMP guideline.

Labcorp Genetics (formerly Invitae), Labcorp
Classification: Pathogenic for Phenylketonuria. Last evaluated: 2025-07-14. Review status: criteria provided, single submitter. Criteria: Invitae Variant Classification Sherloc (09022015). Collection method: clinical testing. Allele origin: germline. Not counted in ClinVar's aggregate classification.
Comment: This sequence change creates a premature translational stop signal (p.Tyr356*) in the PAH gene. RNA analysis indicates that this premature translational stop signal induces altered splicing and may result in an absent or altered protein product. This variant is present in population databases (rs62516095, gnomAD 0.02%). This premature translational stop signal has been observed in individuals with PAH deficiency-related disease (PMID: 7915167, 27264808). ClinVar contains an entry for this variant (Variation ID: 92729). Studies have shown that this premature translational stop signal results in altered splicing, and produces a non-functional protein and/or introduces a premature termination codon (PMID: 10471838). For these reasons, this variant has been classified as Pathogenic.

Natera, Inc.
Classification: Pathogenic for Phenylketonuria. Last evaluated: 2025-04-24. Review status: criteria provided, single submitter. Criteria: Natera Variant Classification Schema (03/2026). Collection method: clinical testing. Allele origin: germline. Not counted in ClinVar's aggregate classification.
Comment: The c.1068C>A variant in PAH is a nonsense variant predicted to introduce a stop codon at amino acid 356. This variant is expected to result in nonsense mediated decay, truncation, or a dysfunctional protein product. This variant is rare in the general population with a frequency below the threshold expected for the associated phenotype(s). This variant has been observed in one or more individuals affected with the associated recessive disease, as either homozygous or compound heterozygous with a second variant (PMID: 26322415). Given the available evidence, this variant is classified as Pathogenic.

Women's Health and Genetics/Laboratory Corporation of America, LabCorp
Classification: Pathogenic for Phenylketonuria. Last evaluated: 2019-02-04. Review status: criteria provided, single submitter. Criteria: LabCorp Variant Classification Summary - May 2015. Collection method: clinical testing. Allele origin: germline. Not counted in ClinVar's aggregate classification.
Comment: Variant summary: PAH c.1068C>A (p.Tyr356X) results in a premature termination codon, predicted to cause a truncation of the encoded protein or absence of the protein due to nonsense mediated decay, which are commonly known mechanisms for disease. The variant allele was found at a frequency of 1.2e-05 in 245780 control chromosomes (gnomAD). c.1068C>A has been reported in the literature in multiple individuals affected with Phenylalanine Hydroxylase Deficiency (Phenylketonuria) (Tao_2015, Eiken_1996). These data indicate that the variant is very likely to be associated with disease. Three ClinVar submissions from clinical diagnostic laboratories and reputable databases (evaluation after 2014) cite the variant as pathogenic. Based on the evidence outlined above, the variant was classified as pathogenic.

GeneDx
Classification: Pathogenic. Last evaluated: 2017-05-05. Review status: criteria provided, single submitter. Criteria: GeneDx Variant Classification (06012015). Collection method: clinical testing. Allele origin: germline. Affected: yes. Not counted in ClinVar's aggregate classification.
Comment: The Y356X nonsense variant in the PAH gene has been reported as a pathogenic variant in the PAHConsortium database. The Y356X variant has been previously reported in individuals withphenylketonuria (PKU) (Liang et al., 2014; Liu et al., 2015; Chen et al., 2015; Jeannesson-Thivisol etal., 2015). Functional analysis found that Y356X is associated with significantly reduced enzymeactivity compared to wild type (Zurfluh et al., 2008). It has been reported as non-responsive totetrahydrobiopterin (BH4) therapy (Zurfluh et al., 2008; Jeannesson-Thivisol et al., 2015). TheY356X variant is predicted to cause loss of normal protein function either through protein truncationor nonsense-mediated mRNA decay.

Eurofins Ntd Llc (ga)
Classification: Pathogenic. Last evaluated: 2013-11-11. Review status: criteria provided, single submitter. Criteria: EGL Classification Definitions 2015. Collection method: clinical testing. Allele origin: germline. Observed: 4 variant alleles, 4 heterozygotes. Not counted in ClinVar's aggregate classification.

Juno Genomics, Hangzhou Juno Genomics, Inc
Classification: Pathogenic for Phenylketonuria. Review status: criteria provided, single submitter. Criteria: ACMG Guidelines, 2015. Collection method: clinical testing. Allele origin: germline. Affected: yes. Not counted in ClinVar's aggregate classification.
Comment: Absent from controls (or at extremely low frequency if recessive) in Genome Aggregation Database.;Null variant in a gene where loss of function (LOF) is a known mechanism of disease.;For recessive disorders, detected in trans with a pathogenic variant.;Patient's phenotype or family history is highly specific for a disease with a single genetic etiology.

Counsyl
Classification: Pathogenic for Phenylketonuria. Last evaluated: 2014-09-18. Review status: no assertion criteria provided. Collection method: literature only. Allele origin: unknown. Inheritance: Autosomal recessive inheritance. Not counted in ClinVar's aggregate classification.

DeBelle Laboratory for Biochemical Genetics, MUHC/MCH RESEARCH INSTITUTE
No classification provided. Review status: no classification provided. Collection method: not provided. Allele origin: not provided. Not counted in ClinVar's aggregate classification.

Neonatal Disease Screening Center, Medical Genetics Center, Huaihua City Maternal and Child Health Care Hospital
Classification: Pathogenic for Phenylketonuria. Review status: no assertion criteria provided. Criteria: ACMG Guidelines, 2015. Collection method: clinical testing. Allele origin: germline. Affected: yes. Observed: 1 variant allele. Not counted in ClinVar's aggregate classification.
Comment: PVS1+PM2+PM3_VS+PP4_M

Literature cited by the submitters: PubMed 25894915 (cited by ClinGen PAH Variant Curation Expert Panel and 3billion); PubMed 7915167 (cited by 4 submitters); PubMed 27264808 (cited by Labcorp Genetics (formerly Invitae), Labcorp); PubMed 10471838 (cited by Labcorp Genetics (formerly Invitae), Labcorp and Counsyl); PubMed 26322415 (cited by Natera, Inc. and Women's Health and Genetics/Laboratory Corporation of America, LabCorp); PubMed 8831077 (cited by Women's Health and Genetics/Laboratory Corporation of America, LabCorp and Counsyl); PubMed 1349576 (cited by Counsyl); PubMed 21811977 (cited by Counsyl); PubMed 16256386 (cited by Counsyl); PubMed 20140859 (cited by Counsyl); PubMed 21462123 (cited by Counsyl); PubMed 19147918 (cited by Counsyl).